The following is an entry in ClinVar:

NM_138927.4(SON):c.1546C>T (p.Pro516Ser)

Gene: SON (SON DNA and RNA binding protein; plus strand). Cytogenetic location: 21q22.11.
Variant type: single nucleotide variant.
Coding change: c.1546C>T on transcript NM_138927.4 (MANE Select); coding-DNA position 1546, C replaced by T.
Protein change: p.Pro516Ser; replaces proline 516 with serine.
Molecular consequence: missense variant. On other transcripts: non-coding transcript variant (1), intron variant (1).
Genome position (GRCh38, 1-based): chr21:33,550,777, C>T. VCF-style: chr21-33550777-C-T. GRCh37 (hg19) VCF-style: chr21-34923083-C-T.
Other names: c.1546C>T, p.Pro516Ser (NM_001291411.2, NM_032195.3); c.244+4398C>T (NM_001291412.3); short protein forms P516S.
Identifiers: ClinVar variation 4822665 (VCV004822665.4).

ClinVar aggregate classification (germline): Likely benign (1 of 4 stars; one submission).

gnomAD v4.1: 18 of 1,614,188 alleles (0.0011%); highest among the groups gnomAD compares: Admixed American, 0.0033%; no homozygotes.

Submission:

CeGaT Center for Human Genetics Tuebingen
Classification: Likely benign. Last evaluated: 2026-01-01. Review status: criteria provided, single submitter. Criteria: CeGaT Center For Human Genetics Tuebingen Variant Classification Criteria Version 2. Collection method: clinical testing. Allele origin: germline. Affected: yes. Observed: 1 variant allele.
Comment: SON: BP4